The following is an entry in ClinVar:

NM_000516.7(GNAS):c.300A>C (p.Lys100Asn)

Gene: GNAS (GNAS complex locus; plus strand). Cytogenetic location: 20q13.32.
Variant type: single nucleotide variant.
Coding change: c.300A>C on transcript NM_000516.7 (MANE Select); coding-DNA position 300, A replaced by C.
Protein change: p.Lys100Asn; replaces lysine 100 with asparagine.
Molecular consequence: missense variant. On other transcripts: 3 prime UTR variant (2).
Genome position (GRCh38, 1-based): chr20:58,903,573, A>C. VCF-style: chr20-58903573-A-C. GRCh37 (hg19) VCF-style: chr20-57478628-A-C.
Other names: c.303A>C, p.Lys101Asn (NM_001077488.5); c.255A>C, p.Lys85Asn (NM_001077489.4); c.*161A>C (NM_001077490.3); c.123A>C, p.Lys41Asn (NM_001309840.2, NM_001309861.2); c.*206A>C (NM_016592.5); c.2229A>C, p.Lys743Asn (NM_080425.4); c.258A>C, p.Lys86Asn (NM_080426.4); short protein forms K101N, K86N, K85N, K100N, K41N, K743N.
Identifiers: ClinVar variation 635042 (VCV000635042.1), dbSNP rs1569015549, ClinGen allele CA409450310.

ClinVar aggregate classification (germline): Likely pathogenic (1 of 4 stars; one submission).

Conditions:
Pseudopseudohypoparathyroidism (PPHP). Also called: ALBRIGHT HEREDITARY OSTEODYSTROPHY WITHOUT MULTIPLE HORMONE RESISTANCE; Pseudopseudohypoparathyroidism (PPHP). Identifiers: Orphanet 79445, MedGen C0033835, MONDO:0012912, OMIM 612463.

Submission:

Broad Center for Mendelian Genomics, Broad Institute of MIT and Harvard
Classification: Likely pathogenic for Pseudopseudohypoparathyroidism. Last evaluated: 2018-06-15. Review status: criteria provided, single submitter. Criteria: ACMG Guidelines, 2015. Collection method: research. Allele origin: germline. Inheritance: Autosomal dominant inheritance. Affected: yes.
Comment: Trio exome analysis showed this variant to be de novo. This variant was absent from large population studies. The Lysine (Lys) at position 743 is conserved in mammals and evolutionarily distant species, supporting that a change at this position may not be tolerated. Additionally, computational prediction tools suggest that this variant may impact the protein. In summary, although additional studies are required to fully establish its pathogenicity, this variant is likely pathogenic.